The following is an entry in ClinVar:

ClinVar aggregate classification (germline): Uncertain significance. Review status: criteria provided, multiple submitters, no conflicts (2 of 4 stars). 2 submissions from 2 submitters: Uncertain significance (2). Last evaluated 2025-10-18.

Conditions:
Catecholaminergic polymorphic ventricular tachycardia 1. Also called: RYR2-Related Catecholaminergic Polymorphic Ventricular Tachycardia; VENTRICULAR TACHYCARDIA, CATECHOLAMINERGIC POLYMORPHIC, 1, WITH OR WITHOUT ATRIAL DYSFUNCTION AND/OR DILATED CARDIOMYOPATHY; VENTRICULAR TACHYCARDIA, STRESS-INDUCED POLYMORPHIC 1. Identifiers: Orphanet 3286, MedGen C1631597, MONDO:0011484, OMIM 604772.

Allele frequency attached by ClinVar (database versions not stated): TOPMed below 0.00001; gnomAD 0.00001; gnomAD exomes 0.00001 and 0.00002; ExAC 0.00002.
gnomAD v4.1: 14 of 1,613,576 alleles (0.00087%); highest among the groups gnomAD compares: East Asian, 0.0045%; no homozygotes.

Submissions (2):

Labcorp Genetics (formerly Invitae), Labcorp
Classification: Uncertain significance for Catecholaminergic polymorphic ventricular tachycardia 1. Last evaluated: 2025-10-18. Review status: criteria provided, single submitter. Criteria: Invitae Variant Classification Sherloc (09022015). Collection method: clinical testing. Allele origin: germline.
Comment: This sequence change replaces arginine, which is basic and polar, with glutamine, which is neutral and polar, at codon 417 of the RYR2 protein (p.Arg417Gln). This variant is present in population databases (rs751428303, gnomAD 0.01%). This missense change has been observed in individual(s) with sudden cardiac arrest (PMID: 30975432). ClinVar contains an entry for this variant (Variation ID: 1316612). Invitae Evidence Modeling of protein sequence and biophysical properties (such as structural, functional, and spatial information, amino acid conservation, physicochemical variation, residue mobility, and thermodynamic stability) indicates that this missense variant is expected to disrupt RYR2 protein function with a positive predictive value of 95%. In summary, the available evidence is currently insufficient to determine the role of this variant in disease. Therefore, it has been classified as a Variant of Uncertain Significance.

GeneDx
Classification: Uncertain significance. Last evaluated: 2021-08-05. Review status: criteria provided, single submitter. Criteria: GeneDx Variant Classification Process June 2021. Collection method: clinical testing. Allele origin: germline. Affected: yes.
Comment: Reported in association with sudden cardiac arrest and atrioventricular nodal reentry tachycardia (Andreasen et al., 2018; Asatryan et al., 2019); In silico analysis supports that this missense variant has a deleterious effect on protein structure/function; Located in one of the three hot-spot regions of the RYR2 gene, where the majority of pathogenic missense variants occur (Medeiros-Domingo et al., 2009); This variant is associated with the following publications: (PMID: 30975432, 29396561, 32508047)

Literature cited by the submitters: PubMed 30975432 (cited by Labcorp Genetics (formerly Invitae), Labcorp).

NM_001035.3(RYR2):c.1250G>A (p.Arg417Gln)

Gene: RYR2 (ryanodine receptor 2; plus strand). Cytogenetic location: 1q43.
Variant type: single nucleotide variant.
Coding change: c.1250G>A on transcript NM_001035.3 (MANE Select); coding-DNA position 1250, G replaced by A.
Protein change: p.Arg417Gln; replaces arginine 417 with glutamine.
Molecular consequence: missense variant.
Genome position (GRCh38, 1-based): chr1:237,445,480, G>A. VCF-style: chr1-237445480-G-A. GRCh37 (hg19) VCF-style: chr1-237608780-G-A.
Other names: short protein forms R417Q.
Identifiers: ClinVar variation 1316612 (VCV001316612.11), dbSNP rs751428303, ClinGen allele CA085193.